The following is an entry in ClinVar:

NM_001167.4(XIAP):c.1099+2T>C

Gene: XIAP (X-linked inhibitor of apoptosis; plus strand). Cytogenetic location: Xq25.
Variant type: single nucleotide variant.
Coding change: c.1099+2T>C on transcript NM_001167.4 (MANE Select); the canonical splice donor site of the intron after coding-DNA position 1099, T replaced by C.
Molecular consequence: splice donor variant.
Genome position (GRCh38, 1-based): chrX:123,892,775, T>C. VCF-style: chrX-123892775-T-C. GRCh37 (hg19) VCF-style: chrX-123026625-T-C.
Other names: c.1099+2T>C (NM_001378592.1, NM_001378591.1, NM_001204401.2 and 1 more transcripts).
Identifiers: ClinVar variation 1066189 (VCV001066189.10), dbSNP rs2148097889, ClinGen allele CA414125689.

ClinVar aggregate classification (germline): Likely pathogenic (1 of 4 stars; one submission).

Conditions:
X-linked lymphoproliferative disease due to XIAP deficiency. Also called: XIAP-Related Lymphoproliferative Disease, X-Linked; XIAP DEFICIENCY. Identifiers: Orphanet 2442, Orphanet 538934, MedGen C1845076, MONDO:0010385, OMIM 300635.

Submissions (2):

Labcorp Genetics (formerly Invitae), Labcorp
Classification: Likely pathogenic for X-linked lymphoproliferative disease due to XIAP deficiency. Last evaluated: 2021-05-18. Review status: criteria provided, single submitter. Criteria: Invitae Variant Classification Sherloc (09022015). Collection method: clinical testing. Allele origin: germline.
Comment: Donor and acceptor splice site variants typically lead to a loss of protein function (PMID: 16199547), and loss-of-function variants in XIAP are known to be pathogenic (PMID: 17080092, 21119115, 25666262). Algorithms developed to predict the effect of sequence changes on RNA splicing suggest that this variant may disrupt the consensus splice site, but this prediction has not been confirmed by published transcriptional studies. This variant has been observed in individual(s) with Epstein–Barr virus-associated hemophagocytic lymphohistiocytosis (PMID: 21674762). This variant is not present in population databases (ExAC no frequency). This sequence change affects a donor splice site in intron 5 of the XIAP gene. It is expected to disrupt RNA splicing and likely results in an absent or disrupted protein product. In summary, the currently available evidence indicates that the variant is pathogenic, but additional data are needed to prove that conclusively. Therefore, this variant has been classified as Likely Pathogenic.

Dr. Peter K. Rogan Lab, Western University
No classification provided (evidence only). Condition: Thyroid cancer, nonmedullary, 1. Review status: no classification provided. Collection method: in vitro. Allele origin: not applicable. Functional consequence: retained intron. Not counted in ClinVar's aggregate classification.

Literature cited by the submitters: PubMed 16199547 (cited by Labcorp Genetics (formerly Invitae), Labcorp); PubMed 17080092 (cited by Labcorp Genetics (formerly Invitae), Labcorp); PubMed 21119115 (cited by Labcorp Genetics (formerly Invitae), Labcorp); PubMed 25666262 (cited by Labcorp Genetics (formerly Invitae), Labcorp); PubMed 21674762 (cited by Labcorp Genetics (formerly Invitae), Labcorp).